The following is an entry in ClinVar:

NM_001371623.1(TCOF1):c.866G>A (p.Ser289Asn)

Gene: TCOF1 (treacle ribosome biogenesis factor 1; plus strand). Cytogenetic location: 5q32.
Variant type: single nucleotide variant.
Coding change: c.866G>A on transcript NM_001371623.1 (MANE Select); coding-DNA position 866, G replaced by A.
Protein change: p.Ser289Asn; replaces serine 289 with asparagine.
Molecular consequence: missense variant. On other transcripts: intron variant (2).
Genome position (GRCh38, 1-based): chr5:150,372,232, G>A. VCF-style: chr5-150372232-G-A. GRCh37 (hg19) VCF-style: chr5-149751795-G-A.
Other names: c.866G>A, p.Ser289Asn (NM_001008657.3, NM_001135243.2, NM_001135244.2 and 1 more transcripts); c.640-1942G>A (NM_001135245.2, NM_000356.4); short protein forms S289N.
Identifiers: ClinVar variation 798237 (VCV000798237.15), dbSNP rs188279654, ClinGen allele CA3510673.

ClinVar aggregate classification (germline): Conflicting classifications of pathogenicity. Review status: criteria provided, conflicting classifications (1 of 4 stars). 4 submissions from 4 submitters: Uncertain significance (1); Benign (1); Likely benign (1). 1 of the submissions does not count toward it. Last evaluated 2025-09-14.

Conditions:
Inborn genetic diseases. Identifiers: MedGen C0950123, MeSH D030342.
Treacher Collins syndrome 1 (TCS1). Also called: TCOF1-Related Treacher Collins Syndrome. Identifiers: Orphanet 861, MedGen CN315775, MONDO:0007944, OMIM 154500.
TCOF1-related disorder. Also called: TCOF1-related condition.

Allele frequency attached by ClinVar (database versions not stated): gnomAD exomes 0.00002 and 0.00006; ExAC 0.00009; 1000 Genomes Project 0.00020; gnomAD 0.00029; TOPMed 0.00030; 1000 Genomes Project 30x 0.00031; ESP Exome Variant Server 0.00048.
gnomAD v4.1: 73 of 1,607,986 alleles (0.0045%); highest among the groups gnomAD compares: African/African-American, 0.089%; no homozygotes.

Submissions (4):

Labcorp Genetics (formerly Invitae), Labcorp
Classification: Likely benign for Treacher Collins syndrome 1. Last evaluated: 2025-09-14. Review status: criteria provided, single submitter. Criteria: Invitae Variant Classification Sherloc (09022015). Collection method: clinical testing. Allele origin: germline.

Ambry Genetics
Classification: Uncertain significance for Inborn genetic diseases. Last evaluated: 2023-12-28. Review status: criteria provided, single submitter. Criteria: Ambry Variant Classification Scheme 2023. Collection method: clinical testing. Allele origin: germline.

GeneDx
Classification: Benign. Last evaluated: 2021-05-17. Review status: criteria provided, single submitter. Criteria: GeneDx Variant Classification Process June 2021. Collection method: clinical testing. Allele origin: germline. Affected: yes.

PreventionGenetics, part of Exact Sciences
Classification: Likely benign for TCOF1-related condition. Last evaluated: 2024-09-03. Review status: no assertion criteria provided. Collection method: clinical testing. Allele origin: germline. Not counted in ClinVar's aggregate classification.
Comment: This variant is classified as likely benign based on ACMG/AMP sequence variant interpretation guidelines (Richards et al. 2015 PMID: 25741868, with internal and published modifications).